The following is an entry in ClinVar:

NM_004991.4(MECOM):c.2557G>A (p.Gly853Arg)

Gene: MECOM (MDS1 and EVI1 complex locus; minus strand). Cytogenetic location: 3q26.2.
Variant type: single nucleotide variant.
Coding change: c.2557G>A on transcript NM_004991.4 (MANE Select); coding-DNA position 2557, G replaced by A.
Protein change: p.Gly853Arg; replaces glycine 853 with arginine.
Molecular consequence: missense variant.
Genome position (GRCh38, 1-based): chr3:169,112,807, C>T on the plus strand (G>A on the coding strand, the complement: MECOM is on the minus strand). VCF-style: chr3-169112807-C-T. GRCh37 (hg19) VCF-style: chr3-168830595-C-T.
Other names: c.2188G>A, p.Gly730Arg (NM_001105077.4); c.1993G>A, p.Gly665Arg (NM_001105078.4, NM_001164000.2, NM_001205194.2 and 4 more transcripts); c.1996G>A, p.Gly666Arg (NM_001163999.2, NM_001366467.2, NM_001366468.2 and 1 more transcripts); c.2557G>A, p.Gly853Arg (NM_001366466.2); c.1585G>A, p.Gly529Arg (NM_001366473.2); c.1021G>A, p.Gly341Arg (NM_001366474.2); short protein forms G853R, G665R, G666R, G730R, G341R, G529R.
Identifiers: ClinVar variation 4053292 (VCV004053292.1).
Genomic context (GRCh38, chr3:169,112,807, plus strand): 5'-TTAGTTTACAAGCTGGAAATCTCAAATCCAAAATACTTACTTGTGGGTGAAACAAGAATC[C>T]TGGAGAAGGCCTCAAGTATTTCTCTTTTAAAGCTTCAAGTGGGTCAGTTAGTTTTCTTTT-3'
Protein context (NP_004982.2, residues 843-863): LKEKYLRPSP[Gly853Arg]FLFHPQFQLP

ClinVar aggregate classification (germline): Uncertain significance (1 of 4 stars; one submission).

Conditions:
Inborn genetic diseases. Identifiers: MedGen C0950123, MeSH D030342.

Submission:

Ambry Genetics
Classification: Uncertain significance for Inborn genetic diseases. Last evaluated: 2025-05-26. Review status: criteria provided, single submitter. Criteria: Ambry Variant Classification Scheme 2023. Collection method: clinical testing. Allele origin: germline.
Comment: The p.G853R variant (also known as c.2557G>A), located in coding exon 9 of the MECOM gene, results from a G to A substitution at nucleotide position 2557. The glycine at codon 853 is replaced by arginine, an amino acid with dissimilar properties. This amino acid position is conserved. In addition, the in silico prediction for this alteration is inconclusive. Based on the available evidence, the clinical significance of this variant remains unclear.